The following is an entry in ClinVar:

NM_000057.4(BLM):c.570G>T (p.Lys190Asn)

Gene: BLM (BLM RecQ like helicase; plus strand). Cytogenetic location: 15q26.1.
Variant type: single nucleotide variant.
Coding change: c.570G>T on transcript NM_000057.4 (MANE Select); coding-DNA position 570, G replaced by T.
Protein change: p.Lys190Asn; replaces lysine 190 with asparagine.
Molecular consequence: missense variant. On other transcripts: 5 prime UTR variant (1).
Genome position (GRCh38, 1-based): chr15:90,749,838, G>T. VCF-style: chr15-90749838-G-T. GRCh37 (hg19) VCF-style: chr15-91293068-G-T.
Other names: c.570G>T (NM_000057.2); c.570G>T, p.Lys190Asn (NM_001287246.2, NM_001287247.2); c.-722G>T (NM_001287248.2); short protein forms K190N.
Identifiers: ClinVar variation 1442093 (VCV001442093.7), dbSNP rs2151147630, ClinGen allele CA393841075.

ClinVar aggregate classification (germline): Uncertain significance. Review status: criteria provided, multiple submitters, no conflicts (2 of 4 stars). 2 submissions from 2 submitters: Uncertain significance (2). Last evaluated 2024-09-06.

Conditions:
Hereditary cancer-predisposing syndrome. Also called: Tumor predisposition; Hereditary Cancer Syndrome; Hereditary neoplastic syndrome; Neoplastic Syndromes, Hereditary. Identifiers: Orphanet 140162, MedGen C0027672, MeSH D009386, MONDO:0015356.
Bloom syndrome (BLM). Also called: Bloom-Torre-Machacek syndrome. Identifiers: Orphanet 125, MedGen C0005859, MONDO:0008876, OMIM 210900.

Submissions (2):

Labcorp Genetics (formerly Invitae), Labcorp
Classification: Uncertain significance for Bloom syndrome. Last evaluated: 2024-09-06. Review status: criteria provided, single submitter. Criteria: Invitae Variant Classification Sherloc (09022015). Collection method: clinical testing. Allele origin: germline.
Comment: This sequence change replaces lysine, which is basic and polar, with asparagine, which is neutral and polar, at codon 190 of the BLM protein (p.Lys190Asn). This variant is not present in population databases (gnomAD no frequency). This variant has not been reported in the literature in individuals affected with BLM-related conditions. ClinVar contains an entry for this variant (Variation ID: 1442093). An algorithm developed to predict the effect of missense changes on protein structure and function outputs the following: PolyPhen-2: "Benign". The asparagine amino acid residue is found in multiple mammalian species, which suggests that this missense change does not adversely affect protein function. In summary, the available evidence is currently insufficient to determine the role of this variant in disease. Therefore, it has been classified as a Variant of Uncertain Significance.

Ambry Genetics
Classification: Uncertain significance for Hereditary cancer-predisposing syndrome. Last evaluated: 2024-06-30. Review status: criteria provided, single submitter. Criteria: Ambry Variant Classification Scheme 2023. Collection method: clinical testing. Allele origin: germline.
Comment: The p.K190N variant (also known as c.570G>T), located in coding exon 2 of the BLM gene, results from a G to T substitution at nucleotide position 570. The lysine at codon 190 is replaced by asparagine, an amino acid with similar properties. This amino acid position is conserved. In addition, this alteration is predicted to be tolerated by in silico analysis. Based on the available evidence, the clinical significance of this variant remains unclear.